The following is an entry in ClinVar:

ClinVar aggregate classification (germline): Uncertain significance. Review status: criteria provided, multiple submitters, no conflicts (2 of 4 stars). 2 submissions from 2 submitters: Uncertain significance (2). Last evaluated 2023-08-17.

Allele frequency attached by ClinVar (database versions not stated): ExAC 0.00002; gnomAD 0.00002; gnomAD exomes 0.00002; TOPMed 0.00002.
gnomAD v4.1: 31 of 1,613,860 alleles (0.0019%); highest among the groups gnomAD compares: Non-Finnish European, 0.0026%; no homozygotes.

Submissions (2):

Labcorp Genetics (formerly Invitae), Labcorp
Classification: Uncertain significance. Last evaluated: 2023-08-17. Review status: criteria provided, single submitter. Criteria: Invitae Variant Classification Sherloc (09022015). Collection method: clinical testing. Allele origin: germline.
Comment: In summary, the available evidence is currently insufficient to determine the role of this variant in disease. Therefore, it has been classified as a Variant of Uncertain Significance. Algorithms developed to predict the effect of sequence changes on RNA splicing suggest that this variant may disrupt the consensus splice site. An algorithm developed to predict the effect of missense changes on protein structure and function (PolyPhen-2) suggests that this variant is likely to be tolerated. ClinVar contains an entry for this variant (Variation ID: 850346). This variant has not been reported in the literature in individuals affected with ADIPOR1-related conditions. This variant is present in population databases (rs760402203, gnomAD 0.004%). This sequence change replaces valine, which is neutral and non-polar, with isoleucine, which is neutral and non-polar, at codon 87 of the ADIPOR1 protein (p.Val87Ile).

Blueprint Genetics
Classification: Uncertain significance. Last evaluated: 2021-10-13. Review status: criteria provided, single submitter. Criteria: ACMG Guidelines, 2015. Collection method: clinical testing. Allele origin: germline.

NM_015999.6(ADIPOR1):c.259G>A (p.Val87Ile)

Gene: ADIPOR1 (adiponectin receptor 1; minus strand). Cytogenetic location: 1q32.1.
Variant type: single nucleotide variant.
Coding change: c.259G>A on transcript NM_015999.6 (MANE Select); coding-DNA position 259, G replaced by A.
Protein change: p.Val87Ile; replaces valine 87 with isoleucine.
Molecular consequence: missense variant.
Genome position (GRCh38, 1-based): chr1:202,946,610, C>T on the plus strand (G>A on the coding strand, the complement: ADIPOR1 is on the minus strand). VCF-style: chr1-202946610-C-T. GRCh37 (hg19) VCF-style: chr1-202915738-C-T.
Other names: c.259G>A, p.Val87Ile (NM_001290553.2, NM_001290557.1, NM_001290629.1); short protein forms V87I.
Identifiers: ClinVar variation 850346 (VCV000850346.8), dbSNP rs760402203, ClinGen allele CA1335983.